The following is an entry in ClinVar:

ClinVar aggregate classification (germline): Uncertain significance. Review status: criteria provided, multiple submitters, no conflicts (2 of 4 stars). 2 submissions from 2 submitters: Uncertain significance (2). Last evaluated 2025-01-22.

Conditions:
Immunodeficiency 51 (IMD51). Also called: CANDIDIASIS, FAMILIAL, 5. Identifiers: Orphanet 1334, MedGen C4310803, MONDO:0013500, OMIM 613953.

Allele frequency attached by ClinVar (database versions not stated): gnomAD 0.00001; gnomAD exomes 0.00001 and 0.00002; TOPMed 0.00001; ExAC 0.00003; ESP Exome Variant Server 0.00008.
gnomAD v4.1: 26 of 1,599,784 alleles (0.0016%); highest among the groups gnomAD compares: Non-Finnish European, 0.0021%; no homozygotes.

Submissions (2):

Ambry Genetics
Classification: Uncertain significance. Last evaluated: 2025-01-22. Review status: criteria provided, single submitter. Criteria: Ambry Variant Classification Scheme 2023. Collection method: clinical testing. Allele origin: germline.

Labcorp Genetics (formerly Invitae), Labcorp
Classification: Uncertain significance for Immunodeficiency 51. Last evaluated: 2022-08-16. Review status: criteria provided, single submitter. Criteria: Invitae Variant Classification Sherloc (09022015). Collection method: clinical testing. Allele origin: germline.
Comment: This sequence change replaces proline, which is neutral and non-polar, with serine, which is neutral and polar, at codon 778 of the IL17RA protein (p.Pro778Ser). In summary, the available evidence is currently insufficient to determine the role of this variant in disease. Therefore, it has been classified as a Variant of Uncertain Significance. This variant is present in population databases (rs147554210, gnomAD 0.001%). This variant has not been reported in the literature in individuals affected with IL17RA-related conditions. ClinVar contains an entry for this variant (Variation ID: 542910). Algorithms developed to predict the effect of missense changes on protein structure and function (SIFT, PolyPhen-2, Align-GVGD) all suggest that this variant is likely to be tolerated.

NM_014339.7(IL17RA):c.2332C>T (p.Pro778Ser)

Gene: IL17RA (interleukin 17 receptor A; plus strand). Cytogenetic location: 22q11.1.
Variant type: single nucleotide variant.
Coding change: c.2332C>T on transcript NM_014339.7 (MANE Select); coding-DNA position 2332, C replaced by T.
Protein change: p.Pro778Ser; replaces proline 778 with serine.
Molecular consequence: missense variant.
Genome position (GRCh38, 1-based): chr22:17,109,551, C>T. VCF-style: chr22-17109551-C-T. GRCh37 (hg19) VCF-style: chr22-17590441-C-T.
Other names: c.2332C>T (NM_014339.5); c.2230C>T, p.Pro744Ser (NM_001289905.2); short protein forms P778S, P744S.
Identifiers: ClinVar variation 542910 (VCV000542910.10), dbSNP rs147554210, ClinGen allele CA10086972.